The following is an entry in ClinVar:

ClinVar aggregate classification (germline): Conflicting classifications of pathogenicity. Review status: criteria provided, conflicting classifications (1 of 4 stars). 3 submissions from 3 submitters: Uncertain significance (2); Likely benign (1). Last evaluated 2026-04-23.

Conditions:
Gastrointestinal stromal tumor. Also called: Gastrointestinal stromal tumor, somatic; Gastrointestinal stroma tumor. Identifiers: Orphanet 44890, MedGen C0238198, MeSH D046152, MONDO:0011719, OMIM 606764, HP:0100723.
Pheochromocytoma/paraganglioma syndrome 3. Also called: GLOMUS TUMORS, FAMILIAL, 3; SDHC-Related Hereditary Paraganglioma-Pheochromocytoma Syndrome; Paragangliomas 3; SDHC-Related Hereditary Paraganglioma-Pheochromocytoma Syndrome (Paragangliomas 3). Identifiers: Orphanet 29072, MedGen C1854336, MONDO:0011544, OMIM 605373.
Hereditary cancer-predisposing syndrome. Also called: Hereditary neoplastic syndrome; Neoplastic Syndromes, Hereditary; Hereditary Cancer Syndrome; Tumor predisposition. Identifiers: Orphanet 140162, MedGen C0027672, MeSH D009386, MONDO:0015356.

Submissions (3):

Ambry Genetics
Classification: Likely benign for Hereditary cancer-predisposing syndrome. Last evaluated: 2026-04-23. Review status: criteria provided, single submitter. Criteria: Ambry Variant Classification Scheme 2023. Collection method: clinical testing. Allele origin: germline.

Labcorp Genetics (formerly Invitae), Labcorp
Classification: Uncertain significance for Pheochromocytoma/paraganglioma syndrome 3; Gastrointestinal stromal tumor. Last evaluated: 2025-09-03. Review status: criteria provided, single submitter. Criteria: Invitae Variant Classification Sherloc (09022015). Collection method: clinical testing. Allele origin: germline.
Comment: This sequence change falls in intron 1 of the SDHC gene. It does not directly change the encoded amino acid sequence of the SDHC protein. It affects a nucleotide within the consensus splice site. This variant is present in population databases (rs760206414, gnomAD 0.006%). This variant has not been reported in the literature in individuals affected with SDHC-related conditions. ClinVar contains an entry for this variant (Variation ID: 957116). Variants that disrupt the consensus splice site are a relatively common cause of aberrant splicing (PMID: 17576681, 9536098). RNA analysis provides insufficient evidence to determine the effect of this variant on SDHC splicing (internal data). In summary, the available evidence is currently insufficient to determine the role of this variant in disease. Therefore, it has been classified as a Variant of Uncertain Significance.

GeneDx
Classification: Uncertain significance. Last evaluated: 2023-12-21. Review status: criteria provided, single submitter. Criteria: GeneDx Variant Classification Process June 2021. Collection method: clinical testing. Allele origin: germline. Affected: yes.
Comment: Not observed at significant frequency in large population cohorts (gnomAD); In silico analysis supports that this variant does not alter splicing; Has not been previously published as pathogenic or benign to our knowledge

Literature cited by the submitters: PubMed 17576681 (cited by Labcorp Genetics (formerly Invitae), Labcorp); PubMed 9536098 (cited by Labcorp Genetics (formerly Invitae), Labcorp).

NM_003001.5(SDHC):c.20+5C>T

Gene: SDHC (succinate dehydrogenase complex subunit C; plus strand). Cytogenetic location: 1q23.3.
Variant type: single nucleotide variant.
Coding change: c.20+5C>T on transcript NM_003001.5 (MANE Select); 5 bases into the intron after coding-DNA position 20, C replaced by T.
Molecular consequence: intron variant. On other transcripts: 5 prime UTR variant (1).
Genome position (GRCh38, 1-based): chr1:161,314,430, C>T. VCF-style: chr1-161314430-C-T. GRCh37 (hg19) VCF-style: chr1-161284220-C-T.
Other names: c.-536C>T (NM_001407119.1); c.-210+5C>T (NM_001407120.1); c.20+5C>T (NM_001407115.1, NM_001035511.3, NM_001035512.3 and 6 more transcripts).
Identifiers: ClinVar variation 957116 (VCV000957116.14), dbSNP rs760206414, ClinGen allele CA046429.